The following is an entry in ClinVar:

ClinVar aggregate classification (germline): Conflicting classifications of pathogenicity. Review status: criteria provided, conflicting classifications (1 of 4 stars). 3 submissions from 3 submitters: Uncertain significance (2); Likely benign (1). Last evaluated 2026-10-15.

Conditions:
Catecholaminergic polymorphic ventricular tachycardia 1. Also called: RYR2-Related Catecholaminergic Polymorphic Ventricular Tachycardia; VENTRICULAR TACHYCARDIA, STRESS-INDUCED POLYMORPHIC 1; VENTRICULAR TACHYCARDIA, CATECHOLAMINERGIC POLYMORPHIC, 1, WITH OR WITHOUT ATRIAL DYSFUNCTION AND/OR DILATED CARDIOMYOPATHY. Identifiers: Orphanet 3286, MedGen C1631597, MONDO:0011484, OMIM 604772.
Cardiovascular phenotype. Identifiers: MedGen CN230736.

Allele frequency attached by ClinVar (database versions not stated): gnomAD 0.00028 and 0.00025; gnomAD exomes 0.00001.
gnomAD v4.1: 36 of 1,139,846 alleles (0.0032%); highest among the groups gnomAD compares: African/African-American, 0.061%; no homozygotes.

Submissions (3):

GeneDx
Classification: Uncertain significance. Last evaluated: 2026-10-15. Review status: criteria provided, single submitter. Criteria: GeneDx Variant Classification Process June 2021. Collection method: clinical testing. Allele origin: germline.
Comment: In silico analysis supports that this missense variant does not alter protein structure/function; Has not been previously published as pathogenic or benign to our knowledge

Ambry Genetics
Classification: Likely benign for Cardiovascular phenotype. Last evaluated: 2024-02-21. Review status: criteria provided, single submitter. Criteria: Ambry Variant Classification Scheme 2023. Collection method: clinical testing. Allele origin: germline.

Labcorp Genetics (formerly Invitae), Labcorp
Classification: Uncertain significance for Catecholaminergic polymorphic ventricular tachycardia 1. Last evaluated: 2023-12-06. Review status: criteria provided, single submitter. Criteria: Invitae Variant Classification Sherloc (09022015). Collection method: clinical testing. Allele origin: germline.
Comment: This sequence change replaces threonine, which is neutral and polar, with isoleucine, which is neutral and non-polar, at codon 604 of the TRDN protein (p.Thr604Ile). This variant is present in population databases (rs763939252, gnomAD 0.05%). This variant has not been reported in the literature in individuals affected with TRDN-related conditions. ClinVar contains an entry for this variant (Variation ID: 463671). Advanced modeling of protein sequence and biophysical properties (such as structural, functional, and spatial information, amino acid conservation, physicochemical variation, residue mobility, and thermodynamic stability) performed at Invitae indicates that this missense variant is not expected to disrupt TRDN protein function with a negative predictive value of 80%. In summary, the available evidence is currently insufficient to determine the role of this variant in disease. Therefore, it has been classified as a Variant of Uncertain Significance.

NM_006073.4(TRDN):c.1811C>T (p.Thr604Ile)

Gene: TRDN (triadin; minus strand). Cytogenetic location: 6q22.31.
Variant type: single nucleotide variant.
Coding change: c.1811C>T on transcript NM_006073.4 (MANE Select); coding-DNA position 1811, C replaced by T.
Protein change: p.Thr604Ile; replaces threonine 604 with isoleucine.
Molecular consequence: missense variant.
Genome position (GRCh38, 1-based): chr6:123,260,632, G>A on the plus strand (C>T on the coding strand, the complement: TRDN is on the minus strand). VCF-style: chr6-123260632-G-A. GRCh37 (hg19) VCF-style: chr6-123581777-G-A.
Other names: short protein forms T604I.
Identifiers: ClinVar variation 463671 (VCV000463671.51), dbSNP rs763939252, ClinGen allele CA3983728.